The following is an entry in ClinVar:

ClinVar aggregate classification (germline): Likely pathogenic. Review status: criteria provided, single submitter (1 of 4 stars). 2 submissions from 2 submitters: Likely pathogenic (1). 1 of the submissions does not count toward it. Last evaluated 2025-10-22.

Conditions:
Autosomal recessive nonsyndromic hearing loss 2. Also called: DEAFNESS, AUTOSOMAL RECESSIVE 2; NEUROSENSORY NONSYNDROMIC RECESSIVE DEAFNESS 2. Identifiers: Orphanet 90636, MedGen C1838701, MONDO:0010807, OMIM 600060.
Usher syndrome type 1 (USH1). Also called: RETINITIS PIGMENTOSA AND CONGENITAL DEAFNESS. Identifiers: Orphanet 231169, Orphanet 886, MedGen C1568247, MONDO:0010168, OMIM 276900.

Allele frequency attached by ClinVar (database versions not stated): gnomAD 0.00001; gnomAD exomes 0.00001; TOPMed 0.00001.
gnomAD v4.1: 21 of 1,578,374 alleles (0.0013%); highest among the groups gnomAD compares: Non-Finnish European, 0.0017%; no homozygotes.

Submissions (2):

Labcorp Genetics (formerly Invitae), Labcorp
Classification: Likely pathogenic. Last evaluated: 2025-10-22. Review status: criteria provided, single submitter. Criteria: Invitae Variant Classification Sherloc (09022015). Collection method: clinical testing. Allele origin: germline.
Comment: This sequence change affects an acceptor splice site in intron 43 of the MYO7A gene. It is expected to disrupt RNA splicing. Variants that disrupt the donor or acceptor splice site typically lead to a loss of protein function (PMID: 16199547), and loss-of-function variants in MYO7A are known to be pathogenic (PMID: 8900236, 25404053). The frequency data for this variant in the population databases is considered unreliable, as metrics indicate poor data quality at this position in the gnomAD database. Disruption of this splice site has been observed in individual(s) with Usher syndrome (PMID: 16963483). ClinVar contains an entry for this variant (Variation ID: 557287). Algorithms developed to predict the effect of sequence changes on RNA splicing suggest that this variant may disrupt the consensus splice site. In summary, the currently available evidence indicates that the variant is pathogenic, but additional data are needed to prove that conclusively. Therefore, this variant has been classified as Likely Pathogenic.

Counsyl
Classification: Likely pathogenic for Usher syndrome type 1; Autosomal recessive nonsyndromic hearing loss 2. Last evaluated: 2018-03-14. Review status: no assertion criteria provided. Collection method: clinical testing. Allele origin: unknown. Not counted in ClinVar's aggregate classification.

Literature cited by the submitters: PubMed 16199547 (cited by Labcorp Genetics (formerly Invitae), Labcorp); PubMed 8900236 (cited by Labcorp Genetics (formerly Invitae), Labcorp); PubMed 25404053 (cited by Labcorp Genetics (formerly Invitae), Labcorp); PubMed 16963483 (cited by Labcorp Genetics (formerly Invitae), Labcorp and Counsyl).

NM_000260.4(MYO7A):c.5945-1G>A

Gene: MYO7A (myosin VIIA; plus strand). Cytogenetic location: 11q13.5.
Variant type: single nucleotide variant.
Coding change: c.5945-1G>A on transcript NM_000260.4 (MANE Select); the canonical splice acceptor site of the intron before coding-DNA position 5945, G replaced by A.
Molecular consequence: splice acceptor variant.
Genome position (GRCh38, 1-based): chr11:77,208,696, G>A. VCF-style: chr11-77208696-G-A. GRCh37 (hg19) VCF-style: chr11-76919741-G-A.
Other names: c.5798-1G>A (NM_001369365.1); c.5831-1G>A (NM_001127180.2).
Identifiers: ClinVar variation 557287 (VCV000557287.12), dbSNP rs1268984037, ClinGen allele CA381933984.